The following is an entry in ClinVar:

ClinVar aggregate classification (germline): Uncertain significance (1 of 4 stars; one submission).

gnomAD v4.1: 2 of 1,614,112 alleles (0.00012%); highest among the groups gnomAD compares: African/African-American, 0.0027%; no homozygotes.

Submission:

Labcorp Genetics (formerly Invitae), Labcorp
Classification: Uncertain significance. Last evaluated: 2025-03-25. Review status: criteria provided, single submitter. Criteria: Invitae Variant Classification Sherloc (09022015). Collection method: clinical testing. Allele origin: germline.
Comment: This sequence change replaces proline, which is neutral and non-polar, with leucine, which is neutral and non-polar, at codon 2001 of the SRCAP protein (p.Pro2001Leu). This variant is not present in population databases (gnomAD no frequency). This variant has not been reported in the literature in individuals affected with SRCAP-related conditions. Invitae Evidence Modeling of protein sequence and biophysical properties (such as structural, functional, and spatial information, amino acid conservation, physicochemical variation, residue mobility, and thermodynamic stability) indicates that this missense variant is not expected to disrupt SRCAP protein function with a negative predictive value of 80%. In summary, the available evidence is currently insufficient to determine the role of this variant in disease. Therefore, it has been classified as a Variant of Uncertain Significance.

NM_006662.3(SRCAP):c.6002C>T (p.Pro2001Leu)

Gene: SRCAP (Snf2 related CREBBP activator protein; plus strand). Cytogenetic location: 16p11.2.
Variant type: single nucleotide variant.
Coding change: c.6002C>T on transcript NM_006662.3 (MANE Select); coding-DNA position 6002, C replaced by T.
Protein change: p.Pro2001Leu; replaces proline 2001 with leucine.
Molecular consequence: missense variant.
Genome position (GRCh38, 1-based): chr16:30,729,447, C>T. VCF-style: chr16-30729447-C-T. GRCh37 (hg19) VCF-style: chr16-30740768-C-T.
Other names: short protein forms P2001L.
Identifiers: ClinVar variation 4805709 (VCV004805709.1).